The following is an entry in ClinVar:

ClinVar aggregate classification (germline): Uncertain significance (1 of 4 stars; one submission).

Conditions:
Joubert syndrome. Also called: CEREBELLOPARENCHYMAL DISORDER IV; JOUBERT-BOLTSHAUSER SYNDROME; Familial aplasia of the vermis. Identifiers: Orphanet 475, MedGen C5979921, MONDO:0018772.

Allele frequency attached by ClinVar (database versions not stated): gnomAD 0.00001.
gnomAD v4.1: 1 of 1,556,828 alleles (0.000064%); highest among the groups gnomAD compares: African/African-American, 0.0014%; no homozygotes.

Submission:

Labcorp Genetics (formerly Invitae), Labcorp
Classification: Uncertain significance for Joubert syndrome. Last evaluated: 2022-10-24. Review status: criteria provided, single submitter. Criteria: Invitae Variant Classification Sherloc (09022015). Collection method: clinical testing. Allele origin: germline.
Comment: This sequence change replaces asparagine, which is neutral and polar, with serine, which is neutral and polar, at codon 655 of the AHI1 protein (p.Asn655Ser). This variant is not present in population databases (gnomAD no frequency). This variant has not been reported in the literature in individuals affected with AHI1-related conditions. Advanced modeling of protein sequence and biophysical properties (such as structural, functional, and spatial information, amino acid conservation, physicochemical variation, residue mobility, and thermodynamic stability) performed at Invitae indicates that this missense variant is not expected to disrupt AHI1 protein function. In summary, the available evidence is currently insufficient to determine the role of this variant in disease. Therefore, it has been classified as a Variant of Uncertain Significance.

NM_001134831.2(AHI1):c.1964A>G (p.Asn655Ser)

Gene: AHI1 (Abelson helper integration site 1; minus strand). Cytogenetic location: 6q23.3.
Variant type: single nucleotide variant.
Coding change: c.1964A>G on transcript NM_001134831.2 (MANE Select); coding-DNA position 1964, A replaced by G.
Protein change: p.Asn655Ser; replaces asparagine 655 with serine.
Molecular consequence: missense variant.
Genome position (GRCh38, 1-based): chr6:135,438,447, T>C on the plus strand (A>G on the coding strand, the complement: AHI1 is on the minus strand). VCF-style: chr6-135438447-T-C. GRCh37 (hg19) VCF-style: chr6-135759585-T-C.
Other names: c.1964A>G, p.Asn655Ser (NM_001134830.2, NM_001134832.2, NM_001350503.2 and 2 more transcripts); short protein forms N655S.
Identifiers: ClinVar variation 1913595 (VCV001913595.2), dbSNP rs1785749145, ClinGen allele CA365744281.